The following is an entry in ClinVar:

NM_024675.4(PALB2):c.1519G>A (p.Ala507Thr)

Gene: PALB2 (partner and localizer of BRCA2; minus strand). Cytogenetic location: 16p12.2.
Variant type: single nucleotide variant.
Coding change: c.1519G>A on transcript NM_024675.4 (MANE Select); coding-DNA position 1519, G replaced by A.
Protein change: p.Ala507Thr; replaces alanine 507 with threonine.
Molecular consequence: missense variant.
Genome position (GRCh38, 1-based): chr16:23,635,027, C>T on the plus strand (G>A on the coding strand, the complement: PALB2 is on the minus strand). VCF-style: chr16-23635027-C-T. GRCh37 (hg19) VCF-style: chr16-23646348-C-T.
Other names: c.1459G>A, p.Ala487Thr (NM_001407296.1); c.1519G>A, p.Ala507Thr (NM_001407297.1, NM_001407298.1, NM_001407299.1 and 3 more transcripts); c.634G>A, p.Ala212Thr (NM_001407304.1, NM_001407305.1, NM_001407306.1 and 5 more transcripts); short protein forms A487T, A212T, A507T.
Identifiers: ClinVar variation 1774376 (VCV001774376.4), dbSNP rs2142413664, ClinGen allele CA395130981.
Genomic context (GRCh38, chr16:23,635,027, plus strand): 5'-AATGATCTGATGCTGGGGTGCAGGCTGATTTTCTTTTTCCTGTGTATCTTCTACCAGGTG[C>T]TTGGGCAACTGCCTTCCTAGACAAGTCATTATCTTCAGTGGGCCCAGCGGGAGAGCTGAC-3'
Protein context (NP_078951.2, residues 497-517): NDLSRKAVAQ[Ala507Thr]PGRRYTGKRK

ClinVar aggregate classification (germline): Uncertain significance. Review status: criteria provided, multiple submitters, no conflicts (2 of 4 stars). 2 submissions from 2 submitters: Uncertain significance (2). Last evaluated 2025-03-09.

Conditions:
Hereditary cancer-predisposing syndrome. Also called: Hereditary Cancer Syndrome; Hereditary neoplastic syndrome; Neoplastic Syndromes, Hereditary; Tumor predisposition. Identifiers: Orphanet 140162, MedGen C0027672, MeSH D009386, MONDO:0015356.
Familial cancer of breast. Also called: BREAST CANCER, FAMILIAL; Hereditary breast cancer; hereditary breast carcinoma. Identifiers: Orphanet 227535, MedGen C0346153, MONDO:0016419, OMIM 114480. Disease mechanism: loss of function.

Submissions (2):

Labcorp Genetics (formerly Invitae), Labcorp
Classification: Uncertain significance for Familial cancer of breast. Last evaluated: 2025-03-09. Review status: criteria provided, single submitter. Criteria: Invitae Variant Classification Sherloc (09022015). Collection method: clinical testing. Allele origin: germline.
Comment: This sequence change replaces alanine, which is neutral and non-polar, with threonine, which is neutral and polar, at codon 507 of the PALB2 protein (p.Ala507Thr). This variant is not present in population databases (gnomAD no frequency). This variant has not been reported in the literature in individuals affected with PALB2-related conditions. ClinVar contains an entry for this variant (Variation ID: 1774376). Invitae Evidence Modeling of protein sequence and biophysical properties (such as structural, functional, and spatial information, amino acid conservation, physicochemical variation, residue mobility, and thermodynamic stability) indicates that this missense variant is not expected to disrupt PALB2 protein function with a negative predictive value of 80%. In summary, the available evidence is currently insufficient to determine the role of this variant in disease. Therefore, it has been classified as a Variant of Uncertain Significance.

Ambry Genetics
Classification: Uncertain significance for Hereditary cancer-predisposing syndrome. Last evaluated: 2023-07-13. Review status: criteria provided, single submitter. Criteria: Ambry Variant Classification Scheme 2023. Collection method: clinical testing. Allele origin: germline.
Comment: The p.A507T variant (also known as c.1519G>A), located in coding exon 4 of the PALB2 gene, results from a G to A substitution at nucleotide position 1519. The alanine at codon 507 is replaced by threonine, an amino acid with similar properties. This amino acid position is conserved. In addition, this alteration is predicted to be tolerated by in silico analysis. Since supporting evidence is limited at this time, the clinical significance of this alteration remains unclear.